The following is an entry in ClinVar:

NM_020971.3(SPTBN4):c.5857G>A (p.Asp1953Asn)

Gene: SPTBN4 (spectrin beta, non-erythrocytic 4; plus strand). Cytogenetic location: 19q13.2.
Variant type: single nucleotide variant.
Coding change: c.5857G>A on transcript NM_020971.3 (MANE Select); coding-DNA position 5857, G replaced by A.
Protein change: p.Asp1953Asn; replaces aspartic acid 1953 with asparagine.
Molecular consequence: missense variant.
Genome position (GRCh38, 1-based): chr19:40,560,345, G>A. VCF-style: chr19-40560345-G-A. GRCh37 (hg19) VCF-style: chr19-41066251-G-A.
Other names: c.1885G>A, p.Asp629Asn (NM_025213.3); short protein forms D1953N, D629N.
Identifiers: ClinVar variation 2444730 (VCV002444730.2), dbSNP rs752327941, ClinGen allele CA308420604.

ClinVar aggregate classification (germline): Uncertain significance. Review status: criteria provided, multiple submitters, no conflicts (2 of 4 stars). 2 submissions from 2 submitters: Uncertain significance (2). Last evaluated 2025-09-22.

Conditions:
Inborn genetic diseases. Identifiers: MedGen C0950123, MeSH D030342.

Allele frequency attached by ClinVar (database versions not stated): gnomAD 0.00001; TOPMed 0.00002.
gnomAD v4.1: 16 of 1,613,968 alleles (0.00099%); highest among the groups gnomAD compares: African/African-American, 0.004%; no homozygotes.

Submissions (2):

Ambry Genetics
Classification: Uncertain significance for Inborn genetic diseases. Last evaluated: 2025-09-22. Review status: criteria provided, single submitter. Criteria: Ambry Variant Classification Scheme 2023. Collection method: clinical testing. Allele origin: germline.

GeneDx
Classification: Uncertain significance. Last evaluated: 2022-09-15. Review status: criteria provided, single submitter. Criteria: GeneDx Variant Classification Process June 2021. Collection method: clinical testing. Allele origin: germline. Affected: yes.
Comment: Not observed at significant frequency in large population cohorts (gnomAD); In silico analysis supports that this missense variant has a deleterious effect on protein structure/function; Has not been previously published as pathogenic or benign to our knowledge